The following is an entry in ClinVar:

NM_001282531.3(ADNP):c.3213_3214del (p.Ser1071fs)

Gene: ADNP (activity dependent neuroprotector homeobox; minus strand). Cytogenetic location: 20q13.13.
Variant type: Deletion.
Coding change: c.3213_3214del on transcript NM_001282531.3 (MANE Select); coding-DNA positions 3213 to 3214, 2 bases deleted (TG; older notation c.3213_3214delTG).
Protein change: p.Ser1071fs; shifts the reading frame from serine 1071.
Molecular consequence: frameshift variant.
Genome position (GRCh38, 1-based): chr20:50,891,500-50,891,501, CA deleted on the plus strand (TG on the coding strand, the reverse complement: ADNP is on the minus strand); deleting any 2 consecutive bases within chr20:50,891,500-50,891,502 gives the same sequence; the c. name uses the placement nearest the transcript's 3' end. VCF-style (leftmost placement, unchanged base first): chr20-50891499-TCA-T. GRCh37 (hg19) VCF-style: chr20-49508036-TCA-T.
Other names: c.3213_3214del, p.Ser1071fs (NM_001282532.2, NM_001347511.2, NM_015339.5 and 1 more transcripts); short protein forms S1071fs.
Identifiers: ClinVar variation 3641039 (VCV003641039.2).

ClinVar aggregate classification (germline): Pathogenic (1 of 4 stars; one submission).

Submission:

Labcorp Genetics (formerly Invitae), Labcorp
Classification: Pathogenic. Last evaluated: 2024-02-15. Review status: criteria provided, single submitter. Criteria: Invitae Variant Classification Sherloc (09022015). Collection method: clinical testing. Allele origin: germline.
Comment: This sequence change creates a premature translational stop signal (p.Ser1071Argfs*7) in the ADNP gene. While this is not anticipated to result in nonsense mediated decay, it is expected to disrupt the last 32 amino acid(s) of the ADNP protein. This variant is not present in population databases (gnomAD no frequency). This variant has not been reported in the literature in individuals affected with ADNP-related conditions. This variant disrupts a region of the ADNP protein in which other variant(s) (p.Met1088Serfs*5) have been determined to be pathogenic (PMID: 28135719; external communication). This suggests that this is a clinically significant region of the protein, and that variants that disrupt it are likely to be disease-causing. For these reasons, this variant has been classified as Pathogenic.

Literature cited by the submitters: PubMed 28135719.